The following is an entry in ClinVar:

NM_003742.4(ABCB11):c.483C>A (p.Cys161Ter)

Gene: ABCB11 (ATP binding cassette subfamily B member 11; minus strand). Cytogenetic location: 2q31.1.
Variant type: single nucleotide variant.
Coding change: c.483C>A on transcript NM_003742.4 (MANE Select); coding-DNA position 483, C replaced by A.
Protein change: p.Cys161Ter; replaces cysteine 161 with a stop codon.
Molecular consequence: nonsense.
Genome position (GRCh38, 1-based): chr2:168,995,477, G>T on the plus strand (C>A on the coding strand, the complement: ABCB11 is on the minus strand). VCF-style: chr2-168995477-G-T. GRCh37 (hg19) VCF-style: chr2-169851987-G-T.
Other names: NM_003742.4(ABCB11):c.483C>A; p.Cys161Ter; short protein forms C161*.
Identifiers: ClinVar variation 1433215 (VCV001433215.11), dbSNP rs777119489, ClinGen allele CA1951863.

ClinVar aggregate classification (germline): Pathogenic. Review status: criteria provided, multiple submitters, no conflicts (2 of 4 stars). 4 submissions from 4 submitters: Pathogenic (4). Last evaluated 2026-04-14.

Conditions:
Progressive familial intrahepatic cholestasis type 2. Identifiers: Orphanet 79304, MedGen C3489789, MONDO:0011156, OMIM 601847.
Familial intrahepatic cholestasis. Identifiers: Orphanet 284385, MedGen CN296401, MONDO:0017290.

gnomAD v4.1: 1 of 1,609,740 alleles (0.000062%); highest among the groups gnomAD compares: South Asian, 0.0011%; no homozygotes.

Submissions (4):

Genomenon, Inc
Classification: Pathogenic for Familial intrahepatic cholestasis. Last evaluated: 2026-04-14. Review status: criteria provided, single submitter. Criteria: Genomenon Sequence Variant Interpretation Standards - Updated. Collection method: curation. Allele origin: germline. Affected: yes.
Comment: ABCB11 p.Cys161Ter (c.483C>A) is a nonsense variant that introduces a premature stop codon at amino acid position 161, creating a truncated protein that is predicted to undergo nonsense-mediated mRNA decay. This variant has been observed in at least one proband with an ABCB11-related disorder (PMID:24627769). It is absent or not present at a significant frequency in gnomAD. In conclusion, we classify ABCB11 p.Cys161Ter (c.483C>A) as a pathogenic variant.

Natera, Inc.
Classification: Pathogenic for Progressive familial intrahepatic cholestasis type 2. Last evaluated: 2025-12-16. Review status: criteria provided, single submitter. Criteria: Natera Variant Classification Schema (03/2026). Collection method: clinical testing. Allele origin: germline.
Comment: The c.483C>A variant in ABCB11 is a nonsense variant predicted to introduce a stop codon at amino acid 161. This variant is expected to result in nonsense mediated decay, truncation, or a dysfunctional protein product. This variant is rare in the general population with a frequency below the threshold expected for the associated phenotype(s). This variant has been observed in one or more individuals affected with the associated recessive disease, as either homozygous or compound heterozygous with a second variant (PMID: 24627769). Given the available evidence, this variant is classified as Pathogenic.

Broad Center for Mendelian Genomics, Broad Institute of MIT and Harvard
Classification: Pathogenic for Progressive familial intrahepatic cholestasis type 2. Last evaluated: 2025-02-03. Review status: criteria provided, single submitter. Criteria: ACMG Guidelines, 2015. Collection method: curation. Allele origin: germline. Inheritance: Autosomal recessive inheritance.
Comment: The p.Cys161Ter variant in ABCB11 has been reported, in the homozygous state, in one individual with BSEP deficiency (PMID: 24627769), and has been identified in 0.001% (1/90198) of South Asian chromosomes by the Genome Aggregation Database (gnomAD; dbSNP rs777119489). Although this variant has been seen in the general population in a heterozygous state, its frequency is low enough to be consistent with a recessive carrier frequency. This nonsense variant leads to a premature termination codon at position 161, which is predicted to lead to a truncated or absent protein. Loss of function of the ABCB11 gene is an established disease mechanism in autosomal recessive BSEP deficiency. In summary, this variant meets criteria to be classified as pathogenic for autosomal recessive BSEP deficiency. ACMG/AMP Criteria applied: PVS1, PM2_supporting, PM3_supporting (Richards 2015).

Labcorp Genetics (formerly Invitae), Labcorp
Classification: Pathogenic. Last evaluated: 2020-11-01. Review status: criteria provided, single submitter. Criteria: Invitae Variant Classification Sherloc (09022015). Collection method: clinical testing. Allele origin: germline.
Comment: This sequence change creates a premature translational stop signal (p.Cys161*) in the ABCB11 gene. It is expected to result in an absent or disrupted protein product. Loss-of-function variants in ABCB11 are known to be pathogenic (PMID: 18395098, 20232290). This variant is present in population databases (rs777119489, ExAC 0.006%). This variant has been observed in individual(s) with cholestasis (PMID: 24627769). For these reasons, this variant has been classified as Pathogenic.

Literature cited by the submitters: PubMed 24627769 (cited by 3 submitters); PubMed 18395098 (cited by Labcorp Genetics (formerly Invitae), Labcorp); PubMed 20232290 (cited by Labcorp Genetics (formerly Invitae), Labcorp).